The following is an entry in ClinVar:

ClinVar aggregate classification (germline): Likely pathogenic (1 of 4 stars; one submission).

Conditions:
Ververi-Brady syndrome. Identifiers: MedGen C4693824, MONDO:0979877, MONDO:0060707.

Submission:

Greenwood Genetic Center Diagnostic Laboratories, Greenwood Genetic Center
Classification: Likely pathogenic for Ververi-Brady syndrome 1. Last evaluated: 2023-01-19. Review status: criteria provided, single submitter. Criteria: ACMG Guidelines, 2015. Collection method: clinical testing. Allele origin: germline. Affected: yes.
Comment: PVS1_Supporting, PS2, PM2

NM_198880.3(QRICH1):c.2280_2281del (p.Ile760fs)

Gene: QRICH1 (glutamine rich 1; minus strand). Cytogenetic location: 3p21.31.
Variant type: Deletion.
Coding change: c.2280_2281del on transcript NM_198880.3 (MANE Select); coding-DNA positions 2280 to 2281, 2 bases deleted (AA; older notation c.2280_2281delAA).
Protein change: p.Ile760fs; shifts the reading frame from isoleucine 760.
Molecular consequence: frameshift variant.
Genome position (GRCh38, 1-based): chr3:49,030,502-49,030,503, TT deleted on the plus strand (AA on the coding strand, the reverse complement: QRICH1 is on the minus strand). VCF-style (leftmost placement, unchanged base first): chr3-49030501-CTT-C. GRCh37 (hg19) VCF-style: chr3-49067934-CTT-C.
Other names: c.2280_2281del, p.Ile760fs (NM_001320580.2, NM_001320581.2, NM_001320582.2 and 4 more transcripts); short protein forms I760fs.
Identifiers: ClinVar variation 2505228 (VCV002505228.1), dbSNP rs2471641679, ClinGen allele CA2580616454.
Genomic context (GRCh38, chr3:49,030,501, plus strand): 5'-GCCAAGGCATCTCAGTGCATAGTGCTTGCATTGGCCACTGCGATGGCCTCCTGAATTTCT[CTT>C]ATCACCAGGATCCGCGTCAGCATTTGTCCCATCTGCTCTCTGCTGATAGGCTGGACTGAG-3'